The following is an entry in ClinVar:

ClinVar aggregate classification (germline): Uncertain significance. Review status: criteria provided, multiple submitters, no conflicts (2 of 4 stars). 2 submissions from 2 submitters: Uncertain significance (2). Last evaluated 2023-09-21.

Conditions:
Inborn genetic diseases. Identifiers: MedGen C0950123, MeSH D030342.

Allele frequency attached by ClinVar (database versions not stated): gnomAD exomes below 0.00001; TOPMed below 0.00001; ExAC 0.00001.
gnomAD v4.1: 6 of 1,614,140 alleles (0.00037%); highest among the groups gnomAD compares: Non-Finnish European, 0.00051%; no homozygotes.

Submissions (2):

Ambry Genetics
Classification: Uncertain significance for Inborn genetic diseases. Last evaluated: 2023-09-21. Review status: criteria provided, single submitter. Criteria: Ambry Variant Classification Scheme 2023. Collection method: clinical testing. Allele origin: germline.

GeneDx
Classification: Uncertain significance. Last evaluated: 2019-12-02. Review status: criteria provided, single submitter. Criteria: GeneDx Variant Classification Process June 2021. Collection method: clinical testing. Allele origin: germline. Affected: yes.
Comment: Not observed at a significant frequency in large population cohorts (Lek et al., 2016); In silico analysis, which includes protein predictors and evolutionary conservation, supports a deleterious effect; Has not been previously published as pathogenic or benign to our knowledge

NM_206933.4(USH2A):c.7907C>T (p.Thr2636Ile)

Gene: USH2A (usherin; minus strand). Cytogenetic location: 1q41.
Variant type: single nucleotide variant.
Coding change: c.7907C>T on transcript NM_206933.4 (MANE Select); coding-DNA position 7907, C replaced by T.
Protein change: p.Thr2636Ile; replaces threonine 2636 with isoleucine.
Molecular consequence: missense variant.
Genome position (GRCh38, 1-based): chr1:215,888,742, G>A on the plus strand (C>T on the coding strand, the complement: USH2A is on the minus strand). VCF-style: chr1-215888742-G-A. GRCh37 (hg19) VCF-style: chr1-216062084-G-A.
Other names: short protein forms T2636I.
Identifiers: ClinVar variation 1302053 (VCV001302053.3), dbSNP rs764922996, ClinGen allele CA1394717.